The following is an entry in ClinVar:

NM_018124.4(RFWD3):c.1021G>A (p.Val341Ile)

Gene: RFWD3 (ring finger and WD repeat domain 3; minus strand). Cytogenetic location: 16q23.1.
Variant type: single nucleotide variant.
Coding change: c.1021G>A on transcript NM_018124.4 (MANE Select); coding-DNA position 1021, G replaced by A.
Protein change: p.Val341Ile; replaces valine 341 with isoleucine.
Molecular consequence: missense variant.
Genome position (GRCh38, 1-based): chr16:74,644,420, C>T on the plus strand (G>A on the coding strand, the complement: RFWD3 is on the minus strand). VCF-style: chr16-74644420-C-T. GRCh37 (hg19) VCF-style: chr16-74678318-C-T.
Other names: c.1021G>A, p.Val341Ile (NM_001370534.1, NM_001370535.1, NM_001370536.1); c.187G>A, p.Val63Ile (NM_001370537.1, NM_001370539.1, NM_001370540.1 and 3 more transcripts); c.1021G>A (NM_018124.3); short protein forms V341I, V63I.
Identifiers: ClinVar variation 2065650 (VCV002065650.5), dbSNP rs535254738, ClinGen allele CA8169365.

ClinVar aggregate classification (germline): Uncertain significance. Review status: criteria provided, multiple submitters, no conflicts (2 of 4 stars). 2 submissions from 2 submitters: Uncertain significance (2). Last evaluated 2025-11-06.

Allele frequency attached by ClinVar (database versions not stated): ExAC 0.00004; gnomAD 0.00013.
gnomAD v4.1: 70 of 1,614,174 alleles (0.0043%); highest among the groups gnomAD compares: South Asian, 0.021%; 1 homozygote.

Submissions (2):

Labcorp Genetics (formerly Invitae), Labcorp
Classification: Uncertain significance. Last evaluated: 2025-11-06. Review status: criteria provided, single submitter. Criteria: Invitae Variant Classification Sherloc (09022015). Collection method: clinical testing. Allele origin: germline.
Comment: This sequence change replaces valine, which is neutral and non-polar, with isoleucine, which is neutral and non-polar, at codon 341 of the RFWD3 protein (p.Val341Ile). This variant is present in population databases (rs535254738, gnomAD 0.02%). This variant has not been reported in the literature in individuals affected with RFWD3-related conditions. ClinVar contains an entry for this variant (Variation ID: 2065650). An algorithm developed to predict the effect of missense changes on protein structure and function (PolyPhen-2) suggests that this variant is likely to be tolerated. In summary, the available evidence is currently insufficient to determine the role of this variant in disease. Therefore, it has been classified as a Variant of Uncertain Significance.

Ambry Genetics
Classification: Uncertain significance. Last evaluated: 2024-02-13. Review status: criteria provided, single submitter. Criteria: Ambry Variant Classification Scheme 2023. Collection method: clinical testing. Allele origin: germline.